The following is an entry in ClinVar:

NM_173651.4(FSIP2):c.1770G>A (p.Thr590=)

Genes: FSIP2 (fibrous sheath interacting protein 2; plus strand), FSIP2-AS1 (FSIP2 antisense RNA 1; minus strand). Cytogenetic location: 2q32.1.
Variant type: single nucleotide variant.
Coding change: c.1770G>A on transcript NM_173651.4 (MANE Select); coding-DNA position 1770, G replaced by A.
Protein change: p.Thr590=; no amino-acid change (threonine 590 retained).
Molecular consequence: synonymous variant. On other transcripts: non-coding transcript variant (2).
Genome position (GRCh38, 1-based): chr2:185,788,906, G>A. VCF-style: chr2-185788906-G-A. GRCh37 (hg19) VCF-style: chr2-186653633-G-A.
Other names: c.1770G>A (NM_173651.3).
Identifiers: ClinVar variation 1675831 (VCV001675831.35), dbSNP rs139442712, ClinGen allele CA2016551.
Genomic context (GRCh38, chr2:185,788,906, plus strand): 5'-CTACACATCTGCAACAACTAAAACATTTCAGGCAGAACCCTGTGCATTTGTAGTTGACAC[G>A]TCAGTAAGGAGACCAACCACACCTATAAAACCTCCTCCTGCACATGTGGAAAAAACAGTT-3'
Protein context (NP_775922.3, residues 580-600): QAEPCAFVVD[Thr590=]SVRRPTTPIK

ClinVar aggregate classification (germline): Likely benign. Review status: criteria provided, multiple submitters, no conflicts (2 of 4 stars). 3 submissions from 3 submitters: Likely benign (2). 1 of the submissions does not count toward it. Last evaluated 2022-02-01.

Conditions:
FSIP2-related disorder. Also called: FSIP2-related condition.

Allele frequency attached by ClinVar (database versions not stated): gnomAD 0.00016 and 0.00023; TOPMed 0.00023; gnomAD exomes 0.00042 and 0.00113; 1000 Genomes Project 30x 0.00062; 1000 Genomes Project 0.00080; ExAC 0.00275.
gnomAD v4.1: 637 of 1,535,038 alleles (0.041%); highest among the groups gnomAD compares: South Asian, 0.35%; 3 homozygotes.

Submissions (3):

CeGaT Center for Human Genetics Tuebingen
Classification: Likely benign. Last evaluated: 2022-02-01. Review status: criteria provided, single submitter. Criteria: CeGaT Center For Human Genetics Tuebingen Variant Classification Criteria Version 2. Collection method: clinical testing. Allele origin: germline. Affected: yes. Observed: 1 variant allele.

Breakthrough Genomics
Classification: Likely benign. Review status: criteria provided, single submitter. Criteria: ACMG Guidelines, 2015. Collection method: not provided. Allele origin: germline. Inheritance: Autosomal recessive inheritance. Affected: yes.

PreventionGenetics, part of Exact Sciences
Classification: Likely benign for FSIP2-related condition. Last evaluated: 2019-08-08. Review status: no assertion criteria provided. Collection method: clinical testing. Allele origin: germline. Not counted in ClinVar's aggregate classification.
Comment: This variant is classified as likely benign based on ACMG/AMP sequence variant interpretation guidelines (Richards et al. 2015 PMID: 25741868, with internal and published modifications).